The following is an entry in ClinVar:

NM_001145715.3(KPNA7):c.824G>C (p.Arg275Pro)

Gene: KPNA7 (karyopherin subunit alpha 7; minus strand). Cytogenetic location: 7q22.1.
Variant type: single nucleotide variant.
Coding change: c.824G>C on transcript NM_001145715.3 (MANE Select); coding-DNA position 824, G replaced by C.
Protein change: p.Arg275Pro; replaces arginine 275 with proline.
Molecular consequence: missense variant.
Genome position (GRCh38, 1-based): chr7:99,188,376, C>G on the plus strand (G>C on the coding strand, the complement: KPNA7 is on the minus strand). VCF-style: chr7-99188376-C-G. GRCh37 (hg19) VCF-style: chr7-98785999-C-G.
Other names: short protein forms R275P.
Identifiers: ClinVar variation 854572 (VCV000854572.10), dbSNP rs377664445, ClinGen allele CA368419718.

ClinVar aggregate classification (germline): Uncertain significance (1 of 4 stars; one submission).

Submission:

Labcorp Genetics (formerly Invitae), Labcorp
Classification: Uncertain significance. Last evaluated: 2019-02-20. Review status: criteria provided, single submitter. Criteria: Invitae Variant Classification Sherloc (09022015). Collection method: clinical testing. Allele origin: germline.
Comment: In summary, the available evidence is currently insufficient to determine the role of this variant in disease. Therefore, it has been classified as a Variant of Uncertain Significance. This sequence change replaces arginine with proline at codon 275 of the KPNA7 protein (p.Arg275Pro). The arginine residue is weakly conserved and there is a moderate physicochemical difference between arginine and proline. This variant is not present in population databases (ExAC no frequency). This variant has not been reported in the literature in individuals with KPNA7-related conditions. Algorithms developed to predict the effect of missense changes on protein structure and function are either unavailable or do not agree on the potential impact of this missense change (SIFT: "Tolerated"; PolyPhen-2: "Probably Damaging"; Align-GVGD: "Class C0").